The following is an entry in ClinVar:

NM_024675.4(PALB2):c.913G>T (p.Val305Leu)

Gene: PALB2 (partner and localizer of BRCA2; minus strand). Cytogenetic location: 16p12.2.
Variant type: single nucleotide variant.
Coding change: c.913G>T on transcript NM_024675.4 (MANE Select); coding-DNA position 913, G replaced by T.
Protein change: p.Val305Leu; replaces valine 305 with leucine.
Molecular consequence: missense variant. On other transcripts: intron variant (3).
Genome position (GRCh38, 1-based): chr16:23,635,633, C>A on the plus strand (G>T on the coding strand, the complement: PALB2 is on the minus strand). VCF-style: chr16-23635633-C-A. GRCh37 (hg19) VCF-style: chr16-23646954-C-A.
Other names: c.853G>T, p.Val285Leu (NM_001407296.1); c.913G>T, p.Val305Leu (NM_001407297.1, NM_001407298.1, NM_001407299.1 and 3 more transcripts); c.28G>T, p.Val10Leu (NM_001407304.1, NM_001407305.1, NM_001407306.1 and 5 more transcripts); c.48+5477G>T (NM_001407314.1); c.-104-5164G>T (NM_001407313.1, NM_001407312.1); short protein forms V10L, V285L, V305L.
Identifiers: ClinVar variation 5026157 (VCV005026157.1).

ClinVar aggregate classification (germline): Uncertain significance (1 of 4 stars; one submission).

Conditions:
Hereditary cancer-predisposing syndrome. Also called: Neoplastic Syndromes, Hereditary; Tumor predisposition; Hereditary neoplastic syndrome; Hereditary Cancer Syndrome. Identifiers: Orphanet 140162, MedGen C0027672, MeSH D009386, MONDO:0015356.

Submission:

Ambry Genetics
Classification: Uncertain significance for Hereditary cancer-predisposing syndrome. Last evaluated: 2026-07-06. Review status: criteria provided, single submitter. Criteria: Ambry Variant Classification Scheme 2023. Collection method: clinical testing. Allele origin: germline.
Comment: The p.V305L variant (also known as c.913G>T), located in coding exon 4 of the PALB2 gene, results from a G to T substitution at nucleotide position 913. The valine at codon 305 is replaced by leucine, an amino acid with highly similar properties. This amino acid position is conserved. In addition, this alteration is predicted to be tolerated by in silico analysis. Based on the available evidence, the clinical significance of this variant remains unclear.